The following is an entry in ClinVar:

NM_002230.4(JUP):c.2139G>A (p.Pro713=)

Gene: JUP (junction plakoglobin; minus strand). Cytogenetic location: 17q21.2.
Variant type: single nucleotide variant.
Coding change: c.2139G>A on transcript NM_002230.4 (MANE Select); coding-DNA position 2139, G replaced by A.
Protein change: p.Pro713=; no amino-acid change (proline 713 retained).
Molecular consequence: synonymous variant.
Genome position (GRCh38, 1-based): chr17:41,755,843, C>T on the plus strand (G>A on the coding strand, the complement: JUP is on the minus strand). VCF-style: chr17-41755843-C-T. GRCh37 (hg19) VCF-style: chr17-39912095-C-T.
Other names: c.2139G>A, p.Pro713= (NM_001352773.2, NM_001352774.2, NM_001352775.2 and 3 more transcripts).
Identifiers: ClinVar variation 382351 (VCV000382351.17), dbSNP rs782165431, ClinGen allele CA8564998.

ClinVar aggregate classification (germline): Benign/Likely benign. Review status: criteria provided, multiple submitters, no conflicts (2 of 4 stars). 6 submissions from 6 submitters: Benign (2); Likely benign (4). Last evaluated 2025-09-29.

Conditions:
Naxos disease (NXD). Also called: KERATOSIS PALMOPLANTARIS WITH ARRHYTHMOGENIC CARDIOMYOPATHY; MAL DE NAXOS; PALMOPLANTAR KERATODERMA WITH ARRHYTHMOGENIC RIGHT VENTRICULAR CARDIOMYOPATHY AND WOOLLY HAIR; WOOLLY HAIR, PALMOPLANTAR KERATODERMA, AND CARDIAC ABNORMALITIES; CARDIOMYOPATHY, ARRHYTHMOGENIC RIGHT VENTRICULAR, WITH SKIN, HAIR, AND NAIL ABNORMALITIES. Identifiers: Orphanet 34217, MedGen C1832600, MONDO:0011017, OMIM 601214.
Arrhythmogenic right ventricular dysplasia 12. Also called: ARRHYTHMOGENIC RIGHT VENTRICULAR DYSPLASIA, FAMILIAL, 12. Identifiers: MedGen C1969081, MONDO:0012684, OMIM 611528.
Cardiovascular phenotype. Identifiers: MedGen CN230736.

Allele frequency attached by ClinVar (database versions not stated): TOPMed 0.00002.
gnomAD v4.1: 48 of 1,613,186 alleles (0.003%); highest among the groups gnomAD compares: South Asian, 0.032%; no homozygotes.

Submissions (6):

Women's Health and Genetics/Laboratory Corporation of America, LabCorp
Classification: Benign. Last evaluated: 2025-09-29. Review status: criteria provided, single submitter. Criteria: LabCorp Variant Classification Summary - May 2015. Collection method: clinical testing. Allele origin: germline.

Blueprint Genetics
Classification: Likely benign. Last evaluated: 2024-10-21. Review status: criteria provided, single submitter. Criteria: ACMG Guidelines, 2015. Collection method: clinical testing. Allele origin: germline.

Labcorp Genetics (formerly Invitae), Labcorp
Classification: Likely benign for Arrhythmogenic right ventricular dysplasia 12; Naxos disease. Last evaluated: 2024-02-23. Review status: criteria provided, single submitter. Criteria: Invitae Variant Classification Sherloc (09022015). Collection method: clinical testing. Allele origin: germline.

Ambry Genetics
Classification: Likely benign for Cardiovascular phenotype. Last evaluated: 2022-09-19. Review status: criteria provided, single submitter. Criteria: Ambry Variant Classification Scheme 2023. Collection method: clinical testing. Allele origin: germline.

Molecular Diagnostic Laboratory for Inherited Cardiovascular Disease, Montreal Heart Institute
Classification: Benign. Last evaluated: 2019-10-17. Review status: criteria provided, single submitter. Criteria: ACMG Guidelines, 2015. Collection method: clinical testing. Allele origin: germline. Affected: yes.

GeneDx
Classification: Likely benign. Last evaluated: 2016-10-07. Review status: criteria provided, single submitter. Criteria: GeneDx Variant Classification (06012015). Collection method: clinical testing. Allele origin: germline. Affected: yes.
Comment: This variant is considered likely benign or benign based on one or more of the following criteria: it is a conservative change, it occurs at a poorly conserved position in the protein, it is predicted to be benign by multiple in silico algorithms, and/or has population frequency not consistent with disease.